The following is an entry in ClinVar:

ClinVar aggregate classification (germline): Uncertain significance. Review status: criteria provided, multiple submitters, no conflicts (2 of 4 stars). 3 submissions from 2 submitters: Uncertain significance (3). Last evaluated 2025-12-29.

Conditions:
Usher syndrome type 1D (USH1D). Also called: USHER SYNDROME, TYPE ID. Identifiers: Orphanet 231169, Orphanet 886, MedGen C1832845, MONDO:0010984, OMIM 601067.
Autosomal recessive nonsyndromic hearing loss 12. Also called: DEAFNESS, AUTOSOMAL RECESSIVE 12. Identifiers: Orphanet 90636, MedGen C1832394, MONDO:0011067, OMIM 601386.

Allele frequency attached by ClinVar (database versions not stated): TOPMed 0.00001.
gnomAD v4.1: 5 of 1,612,328 alleles (0.00031%); highest among the groups gnomAD compares: Non-Finnish European, 0.00034%; no homozygotes.

Submissions (3):

Labcorp Genetics (formerly Invitae), Labcorp
Classification: Uncertain significance. Last evaluated: 2025-12-29. Review status: criteria provided, single submitter. Criteria: Invitae Variant Classification Sherloc (09022015). Collection method: clinical testing. Allele origin: germline.
Comment: This sequence change replaces arginine, which is basic and polar, with glycine, which is neutral and non-polar, at codon 3269 of the CDH23 protein (p.Arg3269Gly). This variant is not present in population databases (gnomAD no frequency). This variant has not been reported in the literature in individuals affected with CDH23-related conditions. ClinVar contains an entry for this variant (Variation ID: 878520). Invitae Evidence Modeling of protein sequence and biophysical properties (such as structural, functional, and spatial information, amino acid conservation, physicochemical variation, residue mobility, and thermodynamic stability) has been performed for this missense variant. However, the output from this modeling did not meet the statistical confidence thresholds required to predict the impact of this variant on CDH23 protein function. In summary, the available evidence is currently insufficient to determine the role of this variant in disease. Therefore, it has been classified as a Variant of Uncertain Significance.

Illumina Laboratory Services, Illumina
Classification: Uncertain significance for Usher syndrome type 1D. Last evaluated: 2017-04-27. Review status: criteria provided, single submitter. Criteria: ICSL Variant Classification Criteria 13 December 2019. Collection method: clinical testing. Allele origin: germline.

Illumina Laboratory Services, Illumina
Classification: Uncertain significance for Autosomal recessive nonsyndromic hearing loss 12. Last evaluated: 2017-04-27. Review status: criteria provided, single submitter. Criteria: ICSL Variant Classification Criteria 13 December 2019. Collection method: clinical testing. Allele origin: germline.

NM_022124.6(CDH23):c.9805C>G (p.Arg3269Gly)

Gene: CDH23 (cadherin related 23; plus strand). Cytogenetic location: 10q22.1.
Variant type: single nucleotide variant.
Coding change: c.9805C>G on transcript NM_022124.6 (MANE Select); coding-DNA position 9805, C replaced by G.
Protein change: p.Arg3269Gly; replaces arginine 3269 with glycine.
Molecular consequence: missense variant.
Genome position (GRCh38, 1-based): chr10:71,815,018, C>G. VCF-style: chr10-71815018-C-G. GRCh37 (hg19) VCF-style: chr10-73574775-C-G.
Other names: c.3085C>G, p.Arg1029Gly (NM_001171933.1); c.2980C>G, p.Arg994Gly (NM_001171934.1); c.496C>G, p.Arg166Gly (NM_001171935.1); c.391C>G, p.Arg131Gly (NM_001171936.1); short protein forms R994G, R131G, R166G, R3269G, R1029G.
Identifiers: ClinVar variation 878520 (VCV000878520.6), dbSNP rs532369554, ClinGen allele CA377138050.